The following is an entry in ClinVar:

NM_000169.3(GLA):c.894T>G (p.Asn298Lys)

Genes: GLA (galactosidase alpha; minus strand), RPL36A-HNRNPH2 (RPL36A-HNRNPH2 readthrough; plus strand). Cytogenetic location: Xq22.1.
Variant type: single nucleotide variant.
Coding change: c.894T>G on transcript NM_000169.3 (MANE Select); coding-DNA position 894, T replaced by G.
Protein change: p.Asn298Lys; replaces asparagine 298 with lysine.
Molecular consequence: missense variant. On other transcripts: non-coding transcript variant (3), intron variant (2).
Genome position (GRCh38, 1-based): chrX:101,398,475, A>C on the plus strand (T>G on the coding strand, the complement: GLA is on the minus strand). VCF-style: chrX-101398475-A-C. GRCh37 (hg19) VCF-style: chrX-100653463-A-C.
Other names: NC_000023.10:g.100653463A>C; c.1017T>G, p.Asn339Lys (NM_001406747.1); c.894T>G, p.Asn298Lys (NM_001406748.1); c.300+3018A>C (NM_001199973.2); c.177+6653A>C (NM_001199974.2); short protein forms N298K, N339K.
Identifiers: ClinVar variation 4087568 (VCV004087568.3).

ClinVar aggregate classification (germline): Likely pathogenic (1 of 4 stars; one submission).

Conditions:
Fabry disease. Also called: ALPHA-GALACTOSIDASE A DEFICIENCY; ANDERSON-FABRY DISEASE; CERAMIDE TRIHEXOSIDASE DEFICIENCY; GLA DEFICIENCY; HEREDITARY DYSTOPIC LIPIDOSIS; Angiokeratoma corporis diffusum. Identifiers: Orphanet 324, MedGen C0002986, MONDO:0010526, OMIM 301500, HP:0001071. Disease mechanism: Fabry disease is due to inactivating mutations in the X-linked GLA gene resulting in deficiency of the enzyme Alpha Galactosidase-A., loss of function.

Submissions (2):

Genomenon, Inc
Classification: Likely pathogenic for Fabry disease. Last evaluated: 2026-09-08. Review status: criteria provided, single submitter. Criteria: Genomenon Sequence Variant Interpretation Standards - Updated. Collection method: curation. Allele origin: germline. Affected: yes.
Comment: GLA p.Asn298Lys (c.894T>G) is a missense variant that changes the amino acid at codon 298 from Asparagine to Lysine. This variant has been observed in at least one proband with clinical features consistent with Fabry disease (PMID:8807334;11322659). At least one functional study has demonstrated a substantial alteration in protein function relative to the wild-type (PMID:27657681). It is absent or not present at a significant frequency in gnomAD. In silico models predict that this variant is possibly or probably damaging. In conclusion, we classify GLA p.Asn298Lys (c.894T>G) as a likely pathogenic variant.

Dr. Peter K. Rogan Lab, Western University
No classification provided (evidence only). Condition: Thyroid cancer, nonmedullary, 1. Review status: no classification provided. Collection method: in vitro. Allele origin: not applicable. Functional consequence: retained intron. Not counted in ClinVar's aggregate classification.

Literature cited by the submitters: PubMed 8807334 (cited by Genomenon, Inc); PubMed 11322659 (cited by Genomenon, Inc); PubMed 27657681 (cited by Genomenon, Inc).